The following is an entry in ClinVar:

ClinVar aggregate classification (germline): Pathogenic (1 of 4 stars; one submission).

Conditions:
Usher syndrome type 3. Also called: Usher Syndrome, Type III. Identifiers: Orphanet 231183, MedGen C1568248, MONDO:0016485.

Submission:

Myriad Genetics, Inc.
Classification: Pathogenic for Usher syndrome type 3. Last evaluated: 2026-03-12. Review status: criteria provided, single submitter. Criteria: Myriad Autosomal Dominant, Autosomal Recessive and X-Linked Classification Criteria (2023). Collection method: clinical testing. Allele origin: unknown.
Comment: NM_174878.2(CLRN1):c.336delC(M113Wfs*23) is a frameshift variant classified as pathogenic in the context of usher syndrome type 3. M113Wfs*23 has not been observed in cases with relevant disease. Relevant functional assessments of this variant are not available in the literature. M113Wfs*23 has not been observed in referenced population frequency databases. In summary, NM_174878.2(CLRN1):c.336delC(M113Wfs*23) is a frameshift variant in a gene where loss of function is a known mechanism of disease and is predicted to disrupt protein function. Please note: this variant was assessed in the context of healthy population screening.

NM_174878.3(CLRN1):c.336del (p.Met113fs)

Gene: CLRN1 (clarin 1; minus strand). Cytogenetic location: 3q25.1.
Variant type: Deletion.
Coding change: c.336del on transcript NM_174878.3 (MANE Select); coding-DNA position 336, one base deleted (C; older notation c.336delC).
Protein change: p.Met113fs; shifts the reading frame from methionine 113.
Molecular consequence: frameshift variant. On other transcripts: non-coding transcript variant (1).
Genome position (GRCh38, 1-based): chr3:150,941,679, G deleted on the plus strand (C on the coding strand, the reverse complement: CLRN1 is on the minus strand); the first of 2 consecutive G bases (chr3:150,941,679-150,941,680); deleting either gives the same sequence. VCF-style (leftmost placement, unchanged base first): chr3-150941678-TG-T. GRCh37 (hg19) VCF-style: chr3-150659465-TG-T.
Other names: c.336del, p.Met113fs (NM_001195794.1); c.508del, p.His170fs (NM_001256819.2); c.108del, p.Met37fs (NM_052995.2); short protein forms M113fs, H170fs, M37fs.
Identifiers: ClinVar variation 5004534 (VCV005004534.1).